The following is an entry in ClinVar:

NM_001165963.4(SCN1A):c.4551A>G (p.Lys1517=)

Genes: SCN1A (sodium voltage-gated channel alpha subunit 1; minus strand), LOC102724058 (uncharacterized LOC102724058; plus strand). Cytogenetic location: 2q24.3.
Variant type: single nucleotide variant.
Coding change: c.4551A>G on transcript NM_001165963.4 (MANE Select); coding-DNA position 4551, A replaced by G.
Protein change: p.Lys1517=; no amino-acid change (lysine 1517 retained).
Molecular consequence: synonymous variant. On other transcripts: non-coding transcript variant (1).
Genome position (GRCh38, 1-based): chr2:165,996,043, T>C on the plus strand (A>G on the coding strand, the complement: SCN1A is on the minus strand). VCF-style: chr2-165996043-T-C. GRCh37 (hg19) VCF-style: chr2-166852553-T-C.
Other names: c.4467A>G, p.Lys1489= (NM_001165964.3, NM_001353957.2, NM_001353958.2); c.4551A>G, p.Lys1517= (NM_001202435.3, NM_001353948.2); c.4518A>G, p.Lys1506= (NM_001353949.2, NM_001353950.2, NM_001353951.2 and 2 more transcripts); c.4515A>G, p.Lys1505= (NM_001353954.2, NM_001353955.2); c.4464A>G, p.Lys1488= (NM_001353960.2); c.2109A>G, p.Lys703= (NM_001353961.2).
Identifiers: ClinVar variation 331883 (VCV000331883.29), dbSNP rs374087499, ClinGen allele CA1942778.
Genomic context (GRCh38, chr2:165,996,043, plus strand): 5'-TTTTCCCCCATATCATTTGATACTTCTTACTCCTGGTCGAGGTATAGGCTTTTGCGGTTT[T>C]TTCGATCCTAATTTTTTCATTGCATTATAGTATTTCTTCTGTTCTTCTGTCATAAAGATG-3'
Protein context (NP_001159435.1, residues 1507-1527): YYNAMKKLGS[Lys1517=]KPQKPIPRPG

ClinVar aggregate classification (germline): Benign/Likely benign. Review status: criteria provided, multiple submitters, no conflicts (2 of 4 stars). 9 submissions from 8 submitters: Benign (3); Likely benign (4). 2 of the submissions do not count toward it. Last evaluated 2026-02-01.

Conditions:
Generalized epilepsy with febrile seizures plus, type 2 (GEFSP2). Also called: GEFS+, TYPE 2. Identifiers: Orphanet 36387, MedGen C1858673, MONDO:0011461, OMIM 604403.
Migraine, familial hemiplegic, 3. Identifiers: Orphanet 569, MedGen C1864987, MONDO:0012320, OMIM 609634.
Early-infantile DEE. Also called: Ohtahara syndrome; Early infantile epileptic encephalopathy with suppression bursts; Early infantile epileptic encephalopathy. Identifiers: Orphanet 1934, MedGen C0393706, MONDO:0800491.
Inborn genetic diseases. Identifiers: MedGen C0950123, MeSH D030342.

Allele frequency attached by ClinVar (database versions not stated): gnomAD below 0.00001 and 0.00017; TOPMed 0.00001; gnomAD exomes 0.00023 and 0.00044; ExAC 0.00056; 1000 Genomes Project 30x 0.00062; 1000 Genomes Project 0.00080.
gnomAD v4.1: 367 of 1,609,700 alleles (0.023%); highest among the groups gnomAD compares: South Asian, 0.38%; 2 homozygotes.

Submissions (9):

CeGaT Center for Human Genetics Tuebingen
Classification: Likely benign. Last evaluated: 2026-02-01. Review status: criteria provided, single submitter. Criteria: CeGaT Center For Human Genetics Tuebingen Variant Classification Criteria Version 2. Collection method: clinical testing. Allele origin: germline. Affected: yes. Observed: 1 variant allele.
Comment: SCN1A: BP4, BS1

Labcorp Genetics (formerly Invitae), Labcorp
Classification: Benign for Early-infantile DEE. Last evaluated: 2026-01-01. Review status: criteria provided, single submitter. Criteria: Invitae Variant Classification Sherloc (09022015). Collection method: clinical testing. Allele origin: germline.

Blueprint Genetics
Classification: Likely benign. Last evaluated: 2024-10-02. Review status: criteria provided, single submitter. Criteria: ACMG Guidelines, 2015. Collection method: clinical testing. Allele origin: germline.

GeneDx
Classification: Benign. Last evaluated: 2021-07-09. Review status: criteria provided, single submitter. Criteria: GeneDx Variant Classification Process June 2021. Collection method: clinical testing. Allele origin: germline. Affected: yes.

Illumina Laboratory Services, Illumina
Classification: Benign for Migraine, familial hemiplegic, 3. Last evaluated: 2018-01-12. Review status: criteria provided, single submitter. Criteria: ICSL Variant Classification Criteria 13 December 2019. Collection method: clinical testing. Allele origin: germline.
Comment: This variant was observed in the ICSL laboratory as part of a predisposition screen in an ostensibly healthy population. It had not been previously curated by ICSL or reported in the Human Gene Mutation Database (HGMD: prior to June 1st, 2018), and was therefore a candidate for classification through an automated scoring system. Utilizing variant allele frequency, disease prevalence and penetrance estimates, and inheritance mode, an automated score was calculated to assess if this variant is too frequent to cause the disease. Based on the score and internal cut-off values, a variant classified as benign is not then subjected to further curation. The score for this variant resulted in a classification of benign for this disease.

Illumina Laboratory Services, Illumina
Classification: Likely benign for Generalized epilepsy with febrile seizures plus, type 2. Last evaluated: 2018-01-12. Review status: criteria provided, single submitter. Criteria: ICSL Variant Classification Criteria 13 December 2019. Collection method: clinical testing. Allele origin: germline.
Comment: This variant was observed in the ICSL laboratory as part of a predisposition screen in an ostensibly healthy population. It had not been previously curated by ICSL or reported in the Human Gene Mutation Database (HGMD: prior to June 1st, 2018), and was therefore a candidate for classification through an automated scoring system. Utilizing variant allele frequency, disease prevalence and penetrance estimates, and inheritance mode, an automated score was calculated to assess if this variant is too frequent to cause the disease. Based on the score and internal cut-off values, a variant classified as likely benign is not then subjected to further curation. The score for this variant resulted in a classification of likely benign for this disease.

Ambry Genetics
Classification: Likely benign for Inborn genetic diseases. Last evaluated: 2016-08-15. Review status: criteria provided, single submitter. Criteria: Ambry Variant Classification Scheme 2023. Collection method: clinical testing. Allele origin: germline.

Clinical Genetics DNA and cytogenetics Diagnostics Lab, Erasmus MC, Erasmus Medical Center
Classification: Likely benign. Review status: no assertion criteria provided. Collection method: clinical testing. Allele origin: germline. Affected: yes. Study: VKGL Data-share Consensus. Not counted in ClinVar's aggregate classification.

Genome Diagnostics Laboratory, University Medical Center Utrecht
Classification: Benign. Review status: no assertion criteria provided. Collection method: clinical testing. Allele origin: germline. Affected: yes. Study: VKGL Data-share Consensus. Not counted in ClinVar's aggregate classification.